The following is an entry in ClinVar:

ClinVar aggregate classification (germline): Uncertain significance (1 of 4 stars; one submission).

Submission:

Ambry Genetics
Classification: Uncertain significance. Last evaluated: 2022-10-02. Review status: criteria provided, single submitter. Criteria: Ambry Variant Classification Scheme 2023. Collection method: clinical testing. Allele origin: germline.
Comment: The p.P358S variant (also known as c.1072C>T), located in coding exon 11 of the KIF1B gene, results from a C to T substitution at nucleotide position 1072. The proline at codon 358 is replaced by serine, an amino acid with similar properties. This amino acid position is conserved. In addition, this alteration is predicted to be deleterious by in silico analysis. Since supporting evidence is limited at this time, the clinical significance of this alteration remains unclear.

NM_001365951.3(KIF1B):c.1090C>T (p.Pro364Ser)

Gene: KIF1B (kinesin family member 1B; plus strand). Cytogenetic location: 1p36.22.
Variant type: single nucleotide variant.
Coding change: c.1090C>T on transcript NM_001365951.3 (MANE Select); coding-DNA position 1090, C replaced by T.
Protein change: p.Pro364Ser; replaces proline 364 with serine.
Molecular consequence: missense variant.
Genome position (GRCh38, 1-based): chr1:10,278,038, C>T. VCF-style: chr1-10278038-C-T. GRCh37 (hg19) VCF-style: chr1-10338096-C-T.
Other names: c.1090C>T, p.Pro364Ser (NM_001365952.1); c.1072C>T, p.Pro358Ser (NM_001365953.1, NM_015074.3, NM_183416.4); short protein forms P358S, P364S.
Identifiers: ClinVar variation 1783856 (VCV001783856.2), dbSNP rs2521196958, ClinGen allele CA338334101.